The following is an entry in ClinVar:

ClinVar aggregate classification (germline): Uncertain significance (1 of 4 stars; one submission).

Conditions:
Cardiomyopathy (CMYO). Also called: Cardiomyopathies. Identifiers: Orphanet 167848, MedGen C0878544, MONDO:0004994, HP:0001638. Inheritance: Various modes of inheritance.

Submission:

All of Us Research Program, National Institutes of Health
Classification: Uncertain significance for Cardiomyopathy. Last evaluated: 2023-08-23. Review status: criteria provided, single submitter. Criteria: ACMG Guidelines, 2015. Collection method: clinical testing. Allele origin: germline. Inheritance: Autosomal dominant inheritance. Observed: 1 variant allele, 1 heterozygote.
Comment: This variant causes a C to A nucleotide substitution at the -5 position of intron 37 of the MYH7 gene. To our knowledge, functional studies have not been reported for this variant. This variant has not been reported in individuals affected with MYH7-related disorders in the literature. This variant has not been identified in the general population by the Genome Aggregation Database (gnomAD). The available evidence is insufficient to determine the role of this variant in disease conclusively. Therefore, this variant is classified as a Variant of Uncertain Significance.

This study involves interpretation of variants in research participants for the purpose of population health screening. Participant phenotype was not available at the time of variant classification. Additional details can be found in publication PMID: 35346344, PMCID: PMC8962531

NM_000257.4(MYH7):c.5560-5C>A

Gene: MYH7 (myosin heavy chain 7; minus strand). Cytogenetic location: 14q11.2.
Variant type: single nucleotide variant.
Coding change: c.5560-5C>A on transcript NM_000257.4 (MANE Select); 5 bases into the intron before coding-DNA position 5560, C replaced by A.
Molecular consequence: intron variant.
Genome position (GRCh38, 1-based): chr14:23,414,107, G>T on the plus strand (C>A on the coding strand, the complement: MYH7 is on the minus strand). VCF-style: chr14-23414107-G-T. GRCh37 (hg19) VCF-style: chr14-23883316-G-T.
Other names: c.5560-5C>A (NM_001407004.1).
Identifiers: ClinVar variation 3073090 (VCV003073090.1), dbSNP rs1892086046, ClinGen allele CA2123459501.